The following is an entry in ClinVar:

ClinVar aggregate classification (germline): Uncertain significance. Review status: criteria provided, multiple submitters, no conflicts (2 of 4 stars). 4 submissions from 4 submitters: Uncertain significance (4). Last evaluated 2026-05-12.

Conditions:
Bardet-Biedl syndrome (BBS). Identifiers: Orphanet 110, MedGen C0752166, MONDO:0015229.
BBS12-related disorder. Also called: BBS12-related condition.
Inborn genetic diseases. Identifiers: MedGen C0950123, MeSH D030342.

Allele frequency attached by ClinVar (database versions not stated): ExAC 0.00004; gnomAD 0.00009; gnomAD exomes 0.00010; TOPMed 0.00010.
gnomAD v4.1: 167 of 1,614,080 alleles (0.01%); highest among the groups gnomAD compares: Middle Eastern, 0.049%; no homozygotes.

Submissions (4):

PreventionGenetics, part of Exact Sciences
Classification: Uncertain significance for BBS12-related condition. Last evaluated: 2026-05-12. Review status: criteria provided, single submitter. Criteria: ACMG Guidelines, 2015. Collection method: clinical testing. Allele origin: germline.
Comment: The BBS12 c.1258G>A variant is predicted to result in the amino acid substitution p.Glu420Lys. To our knowledge, this variant has not been reported in the literature. This variant is reported in 0.010% of alleles in individuals of East Asian descent in gnomAD. At this time, the clinical significance of this variant is uncertain due to the absence of conclusive functional and genetic evidence.

Ambry Genetics
Classification: Uncertain significance for Inborn genetic diseases. Last evaluated: 2025-08-13. Review status: criteria provided, single submitter. Criteria: Ambry Variant Classification Scheme 2023. Collection method: clinical testing. Allele origin: germline.

Blueprint Genetics
Classification: Uncertain significance. Last evaluated: 2024-09-25. Review status: criteria provided, single submitter. Criteria: ACMG Guidelines, 2015. Collection method: clinical testing. Allele origin: germline.

Labcorp Genetics (formerly Invitae), Labcorp
Classification: Uncertain significance for Bardet-Biedl syndrome. Last evaluated: 2022-06-20. Review status: criteria provided, single submitter. Criteria: Invitae Variant Classification Sherloc (09022015). Collection method: clinical testing. Allele origin: germline.
Comment: This sequence change replaces glutamic acid, which is acidic and polar, with lysine, which is basic and polar, at codon 420 of the BBS12 protein (p.Glu420Lys). This variant is present in population databases (rs765979846, gnomAD 0.01%). This variant has not been reported in the literature in individuals affected with BBS12-related conditions. Algorithms developed to predict the effect of missense changes on protein structure and function (SIFT, PolyPhen-2, Align-GVGD) all suggest that this variant is likely to be tolerated. In summary, the available evidence is currently insufficient to determine the role of this variant in disease. Therefore, it has been classified as a Variant of Uncertain Significance.

NM_152618.3(BBS12):c.1258G>A (p.Glu420Lys)

Gene: BBS12 (Bardet-Biedl syndrome 12; plus strand). Cytogenetic location: 4q27.
Variant type: single nucleotide variant.
Coding change: c.1258G>A on transcript NM_152618.3 (MANE Select); coding-DNA position 1258, G replaced by A.
Protein change: p.Glu420Lys; replaces glutamic acid 420 with lysine.
Molecular consequence: missense variant.
Genome position (GRCh38, 1-based): chr4:122,743,150, G>A. VCF-style: chr4-122743150-G-A. GRCh37 (hg19) VCF-style: chr4-123664305-G-A.
Other names: c.1258G>A (NM_152618.2); c.1258G>A, p.Glu420Lys (NM_001178007.2); short protein forms E420K.
Identifiers: ClinVar variation 2044876 (VCV002044876.7), dbSNP rs765979846, ClinGen allele CA3069408.